The following is an entry in ClinVar:

NM_001040142.2(SCN2A):c.4964T>C (p.Met1655Thr)

Gene: SCN2A (sodium voltage-gated channel alpha subunit 2; plus strand). Cytogenetic location: 2q24.3.
Variant type: single nucleotide variant.
Coding change: c.4964T>C on transcript NM_001040142.2 (MANE Select); coding-DNA position 4964, T replaced by C.
Protein change: p.Met1655Thr; replaces methionine 1655 with threonine.
Molecular consequence: missense variant.
Genome position (GRCh38, 1-based): chr2:165,388,770, T>C. VCF-style: chr2-165388770-T-C. GRCh37 (hg19) VCF-style: chr2-166245280-T-C.
Other names: c.4964T>C, p.Met1655Thr (NM_001040143.2, NM_001371246.1, NM_001371247.1 and 1 more transcripts); short protein forms M1655T.
Identifiers: ClinVar variation 420819 (VCV000420819.2), dbSNP rs1064794721, ClinGen allele CA16617271.
Genomic context (GRCh38, chr2:165,388,770, plus strand): 5'-GAATCCTACGTCTGATCAAAGGAGCAAAGGGGATCCGCACGCTGCTCTTTGCTTTGATGA[T>C]GTCCCTTCCTGCGTTGTTTAACATCGGCCTCCTTCTTTTCCTGGTCATGTTCATCTACGC-3'
Protein context (NP_001035232.1, residues 1645-1665): GIRTLLFALM[Met1655Thr]SLPALFNIGL

ClinVar aggregate classification (germline): Likely pathogenic (1 of 4 stars; one submission).

Submission:

GeneDx
Classification: Likely pathogenic. Last evaluated: 2016-03-25. Review status: criteria provided, single submitter. Criteria: GeneDx Variant Classification (06012015). Collection method: clinical testing. Allele origin: germline. Affected: yes.
Comment: The M1655T variant in the SCN2A gene has not been reported previously as a pathogenic variant, nor as a benign variant, to our knowledge. The M1655T variant was not observed in approximately 6,500 individuals of European and African American ancestry in the NHLBI Exome Sequencing Project, indicating it is not a common benign variant in these populations. The M1655T variant is a non-conservative amino acid substitution, which is likely to impact secondary protein structure as these residues differ in polarity, charge, size and/or other properties. This substitution occurs at a position that is conserved across species, and in silico analysis predicts this variant is probably damaging to the protein structure/function. A missense variant in a nearby residue (L1660W) has been reported in the Human Gene Mutation Database in association with recurrent encephalopathy (Stenson et al., 2014), supporting the functional importance of this region of the protein. The M1655T variant is a strong candidate for a pathogenic variant, however, the possibility it may be a rare benign variant cannot be excluded.